The following is an entry in ClinVar:

ClinVar aggregate classification (germline): Uncertain significance (1 of 4 stars; one submission).

gnomAD v4.1: 6 of 1,229,366 alleles (0.00049%); highest among the groups gnomAD compares: East Asian, 0.0053%; no homozygotes.

Submission:

Labcorp Genetics (formerly Invitae), Labcorp
Classification: Uncertain significance. Last evaluated: 2024-03-04. Review status: criteria provided, single submitter. Criteria: Invitae Variant Classification Sherloc (09022015). Collection method: clinical testing. Allele origin: germline.
Comment: This sequence change falls in intron 1 of the DIP2C gene. It does not directly change the encoded amino acid sequence of the DIP2C protein. It affects a nucleotide within the consensus splice site. This variant is not present in population databases (gnomAD no frequency). This variant has not been reported in the literature in individuals affected with DIP2C-related conditions. Variants that disrupt the consensus splice site are a relatively common cause of aberrant splicing (PMID: 17576681, 9536098). Algorithms developed to predict the effect of sequence changes on RNA splicing suggest that this variant is not likely to affect RNA splicing. In summary, the available evidence is currently insufficient to determine the role of this variant in disease. Therefore, it has been classified as a Variant of Uncertain Significance.

Literature cited by the submitters: PubMed 17576681; PubMed 9536098.

NM_014974.3(DIP2C):c.85+6C>A

Gene: DIP2C (DIP2 acetate--CoA ligase C (putative); minus strand). Cytogenetic location: 10p15.3.
Variant type: single nucleotide variant.
Coding change: c.85+6C>A on transcript NM_014974.3 (MANE Select); 6 bases into the intron after coding-DNA position 85, C replaced by A.
Molecular consequence: intron variant.
Genome position (GRCh38, 1-based): chr10:689,488, G>T on the plus strand (C>A on the coding strand, the complement: DIP2C is on the minus strand). VCF-style: chr10-689488-G-T. GRCh37 (hg19) VCF-style: chr10-735428-G-T.
Identifiers: ClinVar variation 3001979 (VCV003001979.3), dbSNP rs1256171538, ClinGen allele CA667855288.